The following is an entry in ClinVar:

NM_000023.4(SGCA):c.*134del

Genes: SGCA (sarcoglycan alpha; plus strand), LOC121587601 (Sharpr-MPRA regulatory region 9980; plus strand). Cytogenetic location: 17q21.33.
Variant type: Deletion.
Coding change: c.*134del on transcript NM_000023.4 (MANE Select); 134 bases downstream of the stop codon, one base deleted (A; older notation c.*134delA).
Molecular consequence: 3 prime UTR variant. On other transcripts: non-coding transcript variant (1).
Genome position (GRCh38, 1-based): chr17:50,175,833, A deleted. VCF-style (leftmost placement, unchanged base first): chr17-50175832-GA-G. GRCh37 (hg19) VCF-style: chr17-48253193-GA-G.
Other names: c.*134del (NM_001135697.3).
Identifiers: ClinVar variation 324049 (VCV000324049.32), dbSNP rs201486782, ClinGen allele CA8644115.
Genomic context (GRCh38, chr17:50,175,832, plus strand): 5'-TCCCACCTGCTGATTCCAGCTCCTGGCCCTCCTGGAACCCAGGCTCTAAACAAGCAGGGA[GA>G]GGGGGTGGGGTGGGGTGAGAGTGTGTGGAGTAAGGACATTCAGAATAAATATCTGCTGCT-3'

ClinVar aggregate classification (germline): Conflicting classifications of pathogenicity. Review status: criteria provided, conflicting classifications (1 of 4 stars). 2 submissions from 2 submitters: Uncertain significance (1); Benign (1). Last evaluated 2023-05-01.

Allele frequency attached by ClinVar (database versions not stated): 1000 Genomes Project 30x 0.00500; gnomAD exomes 0.00763 and 0.00897; gnomAD 0.00873 and 0.00891; TOPMed 0.00891; ExAC 0.00418; 1000 Genomes Project 0.00459.

Submissions (2):

CeGaT Center for Human Genetics Tuebingen
Classification: Benign. Last evaluated: 2023-05-01. Review status: criteria provided, single submitter. Criteria: CeGaT Center For Human Genetics Tuebingen Variant Classification Criteria Version 2. Collection method: clinical testing. Allele origin: germline. Affected: yes. Observed: 4 variant alleles.
Comment: H1-9P: BS1, BS2; SGCA: BS1, BS2

Breakthrough Genomics
Classification: Uncertain significance. Review status: criteria provided, single submitter. Criteria: ACMG Guidelines, 2015. Collection method: not provided. Allele origin: germline. Inheritance: Autosomal recessive inheritance. Affected: yes.